The following is an entry in ClinVar:

ClinVar aggregate classification (germline): Pathogenic/Likely pathogenic. Review status: criteria provided, multiple submitters, no conflicts (2 of 4 stars). 4 submissions from 4 submitters: Pathogenic (2); Likely pathogenic (2). Last evaluated 2026-01-24.

Conditions:
Pontocerebellar hypoplasia type 2D (PCH2D). Also called: Progressive cerebello-cerebral atrophy. Identifiers: Orphanet 247198, Orphanet 2524, MedGen C3151140, MONDO:0013438, OMIM 613811.
Inborn genetic diseases. Identifiers: MedGen C0950123, MeSH D030342.

Allele frequency attached by ClinVar (database versions not stated): gnomAD exomes below 0.00001; ExAC 0.00001; gnomAD 0.00004 and 0.00005; TOPMed 0.00007.
gnomAD v4.1: 11 of 1,613,552 alleles (0.00068%); highest among the groups gnomAD compares: African/African-American, 0.0094%; no homozygotes.

Submissions (4):

Labcorp Genetics (formerly Invitae), Labcorp
Classification: Pathogenic. Last evaluated: 2026-01-24. Review status: criteria provided, single submitter. Criteria: Invitae Variant Classification Sherloc (09022015). Collection method: clinical testing. Allele origin: germline.
Comment: This sequence change creates a premature translational stop signal (p.Arg271*) in the SEPSECS gene. It is expected to result in an absent or disrupted protein product. Loss-of-function variants in SEPSECS are known to be pathogenic (PMID: 25558065, 25590979, 26115735). This variant is present in population databases (rs745870736, gnomAD 0.005%). This variant has not been reported in the literature in individuals affected with SEPSECS-related conditions. ClinVar contains an entry for this variant (Variation ID: 1075426). Algorithms developed to predict the effect of sequence changes on RNA splicing suggest that this variant may disrupt the consensus splice site. For these reasons, this variant has been classified as Pathogenic.

Natera, Inc.
Classification: Likely pathogenic for Pontocerebellar hypoplasia type 2d. Last evaluated: 2025-05-21. Review status: criteria provided, single submitter. Criteria: Natera Variant Classification Schema (03/2026). Collection method: clinical testing. Allele origin: germline.
Comment: The c.811C>T variant in SEPSECS is a nonsense variant predicted to introduce a stop codon at amino acid 271. This variant is expected to result in nonsense mediated decay, truncation, or a dysfunctional protein product. This variant is rare in the general population with a frequency below the threshold expected for the associated phenotype(s). Given the available evidence, this variant is classified as Likely Pathogenic.

Fulgent Genetics
Classification: Likely pathogenic for Pontocerebellar hypoplasia type 2D. Last evaluated: 2024-04-25. Review status: criteria provided, single submitter. Criteria: ACMG Guidelines, 2015. Collection method: clinical testing. Allele origin: germline.

Ambry Genetics
Classification: Pathogenic for Inborn genetic diseases. Last evaluated: 2022-09-19. Review status: criteria provided, single submitter. Criteria: Ambry Variant Classification Scheme 2023. Collection method: clinical testing. Allele origin: germline.
Comment: The c.811C>T (p.R271*) alteration, located in exon 7 (coding exon 7) of the SEPSECS gene, consists of a C to T substitution at nucleotide position 811. This changes the amino acid from a arginine (R) to a stop codon at amino acid position 271. This alteration is expected to result in loss of function by premature protein truncation or nonsense-mediated mRNA decay. Based on data from gnomAD, the T allele has an overall frequency of <0.01% (3/281860) total alleles studied. The highest observed frequency was 0.01% (1/19950) of East Asian alleles. Based on the available evidence, this alteration is classified as pathogenic.

Literature cited by the submitters: PubMed 25558065 (cited by Labcorp Genetics (formerly Invitae), Labcorp); PubMed 25590979 (cited by Labcorp Genetics (formerly Invitae), Labcorp); PubMed 26115735 (cited by Labcorp Genetics (formerly Invitae), Labcorp).

NM_016955.4(SEPSECS):c.811C>T (p.Arg271Ter)

Gene: SEPSECS (Sep (O-phosphoserine) tRNA:Sec (selenocysteine) tRNA synthase; minus strand). Cytogenetic location: 4p15.2.
Variant type: single nucleotide variant.
Coding change: c.811C>T on transcript NM_016955.4 (MANE Select); coding-DNA position 811, C replaced by T.
Protein change: p.Arg271Ter; replaces arginine 271 with a stop codon.
Molecular consequence: nonsense.
Genome position (GRCh38, 1-based): chr4:25,145,127, G>A on the plus strand (C>T on the coding strand, the complement: SEPSECS is on the minus strand). VCF-style: chr4-25145127-G-A. GRCh37 (hg19) VCF-style: chr4-25146749-G-A.
Other names: c.811C>T (NM_016955.3); short protein forms R271*.
Identifiers: ClinVar variation 1075426 (VCV001075426.12), dbSNP rs745870736, ClinGen allele CA2877336.